The following is an entry in ClinVar:

ClinVar aggregate classification (germline): Uncertain significance (1 of 4 stars; one submission).

gnomAD v4.1: 1 of 1,613,086 alleles (0.000062%); no homozygotes.

Submission:

Labcorp Genetics (formerly Invitae), Labcorp
Classification: Uncertain significance. Last evaluated: 2024-10-28. Review status: criteria provided, single submitter. Criteria: Invitae Variant Classification Sherloc (09022015). Collection method: clinical testing. Allele origin: germline.
Comment: This sequence change replaces alanine, which is neutral and non-polar, with valine, which is neutral and non-polar, at codon 1298 of the POLE protein (p.Ala1298Val). This variant is not present in population databases (gnomAD no frequency). This variant has not been reported in the literature in individuals affected with POLE-related conditions. An algorithm developed to predict the effect of missense changes on protein structure and function (PolyPhen-2) suggests that this variant is likely to be tolerated. In summary, the available evidence is currently insufficient to determine the role of this variant in disease. Therefore, it has been classified as a Variant of Uncertain Significance.

NM_006231.4(POLE):c.3893C>T (p.Ala1298Val)

Gene: POLE (DNA polymerase epsilon, catalytic subunit; minus strand). Cytogenetic location: 12q24.33.
Variant type: single nucleotide variant.
Coding change: c.3893C>T on transcript NM_006231.4 (MANE Select); coding-DNA position 3893, C replaced by T.
Protein change: p.Ala1298Val; replaces alanine 1298 with valine.
Molecular consequence: missense variant.
Genome position (GRCh38, 1-based): chr12:132,649,418, G>A on the plus strand (C>T on the coding strand, the complement: POLE is on the minus strand). VCF-style: chr12-132649418-G-A. GRCh37 (hg19) VCF-style: chr12-133226004-G-A.
Other names: short protein forms A1298V.
Identifiers: ClinVar variation 3675930 (VCV003675930.2).